The following is an entry in ClinVar:

ClinVar aggregate classification (germline): Uncertain significance (1 of 4 stars; one submission).

Conditions:
Hypertrophic cardiomyopathy 26. Also called: Cardiomyopathy, familial hypertrophic, 26. Identifiers: Orphanet 75249, MedGen C4310749, MONDO:0014883, OMIM 617047.
Myofibrillar myopathy 5. Also called: Filaminopathy (type); FILAMINOPATHY, AUTOSOMAL DOMINANT. Identifiers: Orphanet 171445, MedGen C1836050, MONDO:0012289, OMIM 609524.
Distal myopathy with posterior leg and anterior hand involvement. Also called: WILLIAMS DISTAL MYOPATHY. Identifiers: Orphanet 63273, MedGen C3279722, MONDO:0013550, OMIM 614065.

Allele frequency attached by ClinVar (database versions not stated): gnomAD 0.00001; TOPMed 0.00001.
gnomAD v4.1: 1 of 1,613,816 alleles (0.000062%); highest among the groups gnomAD compares: African/African-American, 0.0013%; no homozygotes.

Submission:

Labcorp Genetics (formerly Invitae), Labcorp
Classification: Uncertain significance for Distal myopathy with posterior leg and anterior hand involvement; Myofibrillar myopathy 5; Hypertrophic cardiomyopathy 26. Last evaluated: 2023-10-08. Review status: criteria provided, single submitter. Criteria: Invitae Variant Classification Sherloc (09022015). Collection method: clinical testing. Allele origin: germline.
Comment: This sequence change falls in intron 38 of the FLNC gene. It does not directly change the encoded amino acid sequence of the FLNC protein. It affects a nucleotide within the consensus splice site. This variant is not present in population databases (gnomAD no frequency). This variant has not been reported in the literature in individuals affected with FLNC-related conditions. Variants that disrupt the consensus splice site are a relatively common cause of aberrant splicing (PMID: 17576681, 9536098). Algorithms developed to predict the effect of sequence changes on RNA splicing suggest that this variant is not likely to affect RNA splicing. In summary, the available evidence is currently insufficient to determine the role of this variant in disease. Therefore, it has been classified as a Variant of Uncertain Significance.

Literature cited by the submitters: PubMed 17576681; PubMed 9536098.

NM_001458.5(FLNC):c.6362-3C>T

Genes: FLNC-AS1 (FLNC antisense RNA 1; minus strand), FLNC (filamin C; plus strand). Cytogenetic location: 7q32.1.
Variant type: single nucleotide variant.
Coding change: c.6362-3C>T on transcript NM_001458.5 (MANE Select); 3 bases into the intron before coding-DNA position 6362, C replaced by T.
Molecular consequence: intron variant.
Genome position (GRCh38, 1-based): chr7:128,853,712, C>T. VCF-style: chr7-128853712-C-T. GRCh37 (hg19) VCF-style: chr7-128493766-C-T.
Other names: c.6263-3C>T (NM_001127487.2).
Identifiers: ClinVar variation 2952688 (VCV002952688.3), dbSNP rs1215614256, ClinGen allele CA833142267.